The following is an entry in ClinVar:

NM_001943.5(DSG2):c.2758G>A (p.Val920Ile)

Genes: DSG2 (desmoglein 2; plus strand), DSG2-AS1 (DSG2 antisense RNA 1; minus strand). Cytogenetic location: 18q12.1.
Variant type: single nucleotide variant.
Coding change: c.2758G>A on transcript NM_001943.5 (MANE Select); coding-DNA position 2758, G replaced by A.
Protein change: p.Val920Ile; replaces valine 920 with isoleucine.
Molecular consequence: missense variant.
Genome position (GRCh38, 1-based): chr18:31,546,144, G>A. VCF-style: chr18-31546144-G-A. GRCh37 (hg19) VCF-style: chr18-29126107-G-A.
Other names: short protein forms V920I.
Identifiers: ClinVar variation 180046 (VCV000180046.12), dbSNP rs547741894, ClinGen allele CA021892.

ClinVar aggregate classification (germline): Uncertain significance. Review status: criteria provided, multiple submitters, no conflicts (2 of 4 stars). 5 submissions from 5 submitters: Uncertain significance (5). Last evaluated 2024-04-25.

Conditions:
Arrhythmogenic right ventricular cardiomyopathy (ARVD). Also called: Arrhythmogenic cardiomyopathy; Arrhythmogenic Right Ventricular Cardiomyopathy (ARVC); Cardiomyopathy, ARVC; Arrhythmogenic right ventricular dysplasia. Identifiers: Orphanet 247, MedGen C0349788, MeSH D019571, MONDO:0016587. Disease mechanism: loss of function. Inheritance: Various modes of inheritance.
Arrhythmogenic right ventricular dysplasia 10. Also called: Arrhythmogenic right ventricular dysplasia/cardiomyopathy, type 10; Arrhythmogenic Right Ventricular Dysplasia/Cardiomyopathy10; ARRHYTHMOGENIC RIGHT VENTRICULAR DYSPLASIA, FAMILIAL, 10. Identifiers: MedGen C1857777, MONDO:0012434, OMIM 610193.
Cardiomyopathy (CMYO). Also called: Cardiomyopathies. Identifiers: Orphanet 167848, MedGen C0878544, MONDO:0004994, HP:0001638. Inheritance: Various modes of inheritance.

Allele frequency attached by ClinVar (database versions not stated): gnomAD below 0.00001 and 0.00002; 1000 Genomes Project 30x 0.00016; 1000 Genomes Project 0.00020.
gnomAD v4.1: 12 of 1,614,150 alleles (0.00074%); highest among the groups gnomAD compares: South Asian, 0.012%; no homozygotes.

Submissions (5):

All of Us Research Program, National Institutes of Health
Classification: Uncertain significance for Arrhythmogenic right ventricular cardiomyopathy. Last evaluated: 2024-04-25. Review status: criteria provided, single submitter. Criteria: ACMG Guidelines, 2015. Collection method: clinical testing. Allele origin: germline. Inheritance: Autosomal dominant inheritance. Observed: 1 variant allele, 1 heterozygote.
Comment: This missense variant replaces valine with isoleucine at codon 920 of the DSG2 protein. Computational prediction suggests that this variant may not impact protein structure and function (internally defined REVEL score threshold <= 0.5, PMID: 27666373). To our knowledge, functional studies have not been reported for this variant. This variant has not been reported in individuals affected with cardiovascular disorders in the literature. This variant has been identified in 1/249172 chromosomes in the general population by the Genome Aggregation Database (gnomAD). The available evidence is insufficient to determine the role of this variant in disease conclusively. Therefore, this variant is classified as a Variant of Uncertain Significance.

This study involves interpretation of variants in research participants for the purpose of population health screening. Participant phenotype was not available at the time of variant classification. Additional details can be found in publication PMID: 35346344, PMCID: PMC8962531

Color Diagnostics, LLC DBA Color Health
Classification: Uncertain significance for Cardiomyopathy. Last evaluated: 2024-03-06. Review status: criteria provided, single submitter. Criteria: ACMG Guidelines, 2015. Collection method: clinical testing. Allele origin: germline.
Comment: This missense variant replaces valine with isoleucine at codon 920 of the DSG2 protein. Computational prediction suggests that this variant may not impact protein structure and function (internally defined REVEL score threshold <= 0.5, PMID: 27666373). To our knowledge, functional studies have not been reported for this variant. This variant has not been reported in individuals affected with cardiovascular disorders in the literature. This variant has been identified in 1/249172 chromosomes in the general population by the Genome Aggregation Database (gnomAD). The available evidence is insufficient to determine the role of this variant in disease conclusively. Therefore, this variant is classified as a Variant of Uncertain Significance.

Labcorp Genetics (formerly Invitae), Labcorp
Classification: Uncertain significance for Arrhythmogenic right ventricular dysplasia 10. Last evaluated: 2022-07-28. Review status: criteria provided, single submitter. Criteria: Invitae Variant Classification Sherloc (09022015). Collection method: clinical testing. Allele origin: germline.
Comment: In summary, the available evidence is currently insufficient to determine the role of this variant in disease. Therefore, it has been classified as a Variant of Uncertain Significance. Algorithms developed to predict the effect of missense changes on protein structure and function (SIFT, PolyPhen-2, Align-GVGD) all suggest that this variant is likely to be tolerated. ClinVar contains an entry for this variant (Variation ID: 180046). This variant has not been reported in the literature in individuals affected with DSG2-related conditions. This variant is present in population databases (rs547741894, gnomAD 0.003%). This sequence change replaces valine, which is neutral and non-polar, with isoleucine, which is neutral and non-polar, at codon 920 of the DSG2 protein (p.Val920Ile).

Clinical Genomics Laboratory, Stanford Medicine
Classification: Uncertain significance for Arrhythmogenic right ventricular dysplasia 10. Last evaluated: 2022-04-05. Review status: criteria provided, single submitter. Criteria: ACMG Guidelines, 2015. Collection method: clinical testing. Allele origin: germline. Observed: 1 variant allele, 1 heterozygote.
Comment: The p.Val920Ile variant in the DSG2 gene has not been previously reported in association with disease. This variant has been identified in 1/249,172 chromosomes by the Genome Aggregation Database. Although this variant has been seen in the general population, its frequency is low enough to be consistent with the prevalence of cardiomyopathy. The valine at position 920 is not evolutionarily conserved and isoleucine is seen at this position in at least 1 mammalian species. Computational tools predict that the p.Val920Ile variant does not impact protein function; however, the accuracy of in silico algorithms is limited. These data were assessed using the ACMG/AMP variant interpretation guidelines. In summary, the significance of the p.Val920Ile variant is uncertain. Additional information is needed to resolve the significance of this variant. [ACMG evidence codes used: PM2; BP4]_x000D_

Laboratory for Molecular Medicine, Mass General Brigham Personalized Medicine
Classification: Uncertain significance. Last evaluated: 2014-09-29. Review status: criteria provided, single submitter. Criteria: LMM Criteria. Collection method: clinical testing. Allele origin: germline. Observed: 1 variant allele.
Comment: The Val920Ile variant in DSG2 has not been previously reported in individuals wi th cardiomyopathy or in large population studies. Computational prediction tools and conservation analysis suggest that this variant may not impact the protein, though this information is not predictive enough to rule out pathogenicity. In addition, 1 mammal (pig) carries an isoleucine (Ile) at this position, raising t he possibility that this change would be tolerated. In summary, the clinical sig nificance of the Val920Ile variant is uncertain.